The following is an entry in ClinVar:

ClinVar aggregate classification (germline): Uncertain significance (1 of 4 stars; one submission).

Conditions:
Atypical hemolytic-uremic syndrome with MCP/CD46 anomaly. Also called: HEMOLYTIC UREMIC SYNDROME, ATYPICAL, SUSCEPTIBILITY TO, 2; AHUS, SUSCEPTIBILITY TO, 2. Identifiers: Orphanet 2134, MedGen C2752040, MONDO:0013040, OMIM 612922.

Allele frequency attached by ClinVar (database versions not stated): ExAC 0.00002; TOPMed 0.00002; gnomAD 0.00003; ESP Exome Variant Server 0.00008.
gnomAD v4.1: 13 of 1,515,964 alleles (0.00086%); highest among the groups gnomAD compares: Non-Finnish European, 0.0011%; no homozygotes.

Submission:

MVZ Medizinische Genetik Mainz
Classification: Uncertain significance for Atypical hemolytic-uremic syndrome with MCP/CD46 anomaly. Last evaluated: 2023-10-10. Review status: criteria provided, single submitter. Criteria: UK Practice Guidelines For Variant Classification V4 01 2020. Collection method: clinical testing. Allele origin: germline. Inheritance: Autosomal dominant inheritance. Affected: yes. Observed: 1 variant allele.
Comment: ACMG Criteria: PM2_SUP,PP3

NM_172351.3(CD46):c.1083-3C>G

Gene: CD46 (CD46 molecule; plus strand). Cytogenetic location: 1q32.2.
Variant type: single nucleotide variant.
Coding change: c.1083-3C>G on transcript NM_172351.3 (MANE Select); 3 bases into the intron before coding-DNA position 1083, C replaced by G.
Molecular consequence: intron variant.
Genome position (GRCh38, 1-based): chr1:207,790,250, C>G. VCF-style: chr1-207790250-C-G. GRCh37 (hg19) VCF-style: chr1-207963595-C-G.
Other names: c.1128-3C>G (NM_002389.4); c.1128-3269C>G (NM_172359.3); c.1083-3269C>G (NM_153826.4); c.1046-3269C>G (NM_172358.3); c.1041-3C>G (NM_172355.3); c.1041-3269C>G (NM_172356.3); c.1038-3C>G (NM_172352.3); c.1038-3269C>G (NM_172353.3); and 3 more.
Identifiers: ClinVar variation 3235987 (VCV003235987.1), dbSNP rs371907561, ClinGen allele CA1371899.